The following is an entry in ClinVar:

ClinVar aggregate classification (germline): Uncertain significance. Review status: criteria provided, multiple submitters, no conflicts (2 of 4 stars). 2 submissions from 2 submitters: Uncertain significance (2). Last evaluated 2022-03-29.

Submissions (2):

GeneDx
Classification: Uncertain significance. Last evaluated: 2022-03-29. Review status: criteria provided, single submitter. Criteria: GeneDx Variant Classification Process June 2021. Collection method: clinical testing. Allele origin: germline. Affected: yes.
Comment: Not observed at significant frequency in large population cohorts (gnomAD); In silico analysis suggests this variant may impact gene splicing. In the absence of RNA/functional studies, the actual effect of this sequence change is unknown.; Has not been previously published as pathogenic or benign to our knowledge

Blueprint Genetics
Classification: Uncertain significance. Last evaluated: 2021-11-24. Review status: criteria provided, single submitter. Criteria: ACMG Guidelines, 2015. Collection method: clinical testing. Allele origin: germline.

NM_016239.4(MYO15A):c.6046+6_6046+7insAAGCACCAGGCGGGT

Gene: MYO15A (myosin XVA; plus strand). Cytogenetic location: 17p11.2.
Variant type: Insertion.
Coding change: c.6046+6_6046+7insAAGCACCAGGCGGGT on transcript NM_016239.4 (MANE Select); bases 6 to 7 of the intron after coding-DNA position 6046, AAGCACCAGGCGGGT inserted.
Molecular consequence: intron variant.
Genome position: GRCh38 VCF-style: chr17-18143798-T-TGGGTAAGCACCAGGC. GRCh37 (hg19) VCF-style: chr17-18047112-T-TGGGTAAGCACCAGGC.
Identifiers: ClinVar variation 1707991 (VCV001707991.3), dbSNP rs758407298, ClinGen allele CA8424472.